The following is an entry in ClinVar:

ClinVar aggregate classification (germline): Uncertain significance (1 of 4 stars; one submission).

Conditions:
Macrocephaly, acquired, with impaired intellectual development. Also called: MACROCEPHALY, ACQUIRED, WITH MENTAL RETARDATION. Identifiers: MedGen C4748993, MONDO:0032658, OMIM 618286.

gnomAD v4.1: 3 of 1,613,270 alleles (0.00019%); highest among the groups gnomAD compares: Non-Finnish European, 0.00025%; no homozygotes.

Submission:

Victorian Clinical Genetics Services, Murdoch Childrens Research Institute
Classification: Uncertain significance for Macrocephaly, acquired, with impaired intellectual development. Last evaluated: 2021-05-06. Review status: criteria provided, single submitter. Criteria: ACMG Guidelines, 2015. Collection method: clinical testing. Allele origin: germline. Inheritance: Autosomal dominant inheritance. Affected: yes.
Comment: Based on the classification scheme VCGS_Germline_v1.3.4, this variant is classified as VUS-3B. Following criteria are met: 0102 - Loss of function is a known mechanism of disease in this gene and is associated with acquired macrocephaly with impaired intellectual development (MIM#618286). (I) 0107 - This gene is associated with autosomal dominant disease. (I) 0200 - Variant is predicted to result in a missense amino acid change from proline to alanine. (I) 0251 - This variant is heterozygous. (I) 0301 - Variant is absent from gnomAD (both v2 and v3). (SP) 0502 - Missense variant with conflicting in silico predictions and uninformative conservation. (I) 0600 - Variant is located in the annotated CTF/NF-I family transcription modulation region (DECIPHER, NCBI). (I) 0705 - No comparable missense variants have previous evidence for pathogenicity. (I) 0807 - This variant has no previous evidence of pathogenicity. (I) 0905 - No published segregation evidence has been identified for this variant. (I) 1007 - No published functional evidence has been identified for this variant. (I) Legend: (SP) - Supporting pathogenic, (I) - Information, (SB) - Supporting benign

NM_001190737.2(NFIB):c.799C>G (p.Pro267Ala)

Gene: NFIB (nuclear factor I B; minus strand). Cytogenetic location: 9p23.
Variant type: single nucleotide variant.
Coding change: c.799C>G on transcript NM_001190737.2 (MANE Select); coding-DNA position 799, C replaced by G.
Protein change: p.Pro267Ala; replaces proline 267 with alanine.
Molecular consequence: missense variant. On other transcripts: non-coding transcript variant (4).
Genome position (GRCh38, 1-based): chr9:14,150,152, G>C on the plus strand (C>G on the coding strand, the complement: NFIB is on the minus strand). VCF-style: chr9-14150152-G-C. GRCh37 (hg19) VCF-style: chr9-14150151-G-C.
Other names: c.877C>G, p.Pro293Ala (NM_001190738.2); c.43C>G, p.Pro15Ala (NM_001282787.2); c.865C>G, p.Pro289Ala (NM_001369458.1, NM_001369459.1, NM_001369462.1 and 1 more transcripts); c.787C>G, p.Pro263Ala (NM_001369460.1, NM_001369463.1, NM_001369466.1 and 2 more transcripts); c.799C>G, p.Pro267Ala (NM_001369461.1, NM_001369464.1, NM_001369471.1 and 1 more transcripts); c.772C>G, p.Pro258Ala (NM_001369465.1, NM_001369467.1, NM_001369476.1); c.655C>G, p.Pro219Ala (NM_001369469.1); c.562C>G, p.Pro188Ala (NM_001369470.1, NM_001369478.1); and 4 more; short protein forms P15A, P188A, P192A, P219A, P249A, P258A, P262A, P263A.
Identifiers: ClinVar variation 1806204 (VCV001806204.1), dbSNP rs1030067060, ClinGen allele CA373088600.
Genomic context (GRCh38, chr9:14,150,152, plus strand): 5'-TACGAACCTATGTGTGTATCACTTGAGAATATGAGCAGCCCTTCTTTCAGTACCTGCTTG[G>C]TGGAGAAGACAGAGACCTCTGAAGATTGACCCCCGAGTTCATGTCATGATAGTATGGTTG-3'
Protein context (NP_001177666.1, residues 257-277): VNLQRSLSSP[Pro267Ala]SSKRPKTISI